The following is an entry in ClinVar:

NM_000834.5(GRIN2B):c.1927C>A (p.Leu643Met)

Gene: GRIN2B (glutamate ionotropic receptor NMDA type subunit 2B; minus strand). Cytogenetic location: 12p13.1.
Variant type: single nucleotide variant.
Coding change: c.1927C>A on transcript NM_000834.5 (MANE Select); coding-DNA position 1927, C replaced by A.
Protein change: p.Leu643Met; replaces leucine 643 with methionine.
Molecular consequence: missense variant.
Genome position (GRCh38, 1-based): chr12:13,608,686, G>T on the plus strand (C>A on the coding strand, the complement: GRIN2B is on the minus strand). VCF-style: chr12-13608686-G-T. GRCh37 (hg19) VCF-style: chr12-13761620-G-T.
Other names: c.1927C>A, p.Leu643Met (NM_001413992.1); short protein forms L643M.
Identifiers: ClinVar variation 2444277 (VCV002444277.1), dbSNP rs2497583145, ClinGen allele CA384051024.

ClinVar aggregate classification (germline): Uncertain significance (1 of 4 stars; one submission).

Conditions:
Developmental and epileptic encephalopathy, 27 (DEE27). Also called: Epileptic encephalopathy, early infantile, 27; GRIN2B-Related Neurodevelopmental Disorder. Identifiers: Orphanet 3451, MedGen C4015316, MONDO:0014505, OMIM 616139.

Submission:

3billion
Classification: Uncertain significance for Developmental and epileptic encephalopathy, 27. Last evaluated: 2023-02-23. Review status: criteria provided, single submitter. Criteria: ACMG Guidelines, 2015. Collection method: clinical testing. Allele origin: unknown. Affected: yes.
Comment: The variant is not observed in the gnomAD v2.1.1 dataset. Missense changes are a common disease-causing mechanism. In silico tool predictions suggest damaging effect of the variant on gene or gene product (3Cnet: 0.98). A different missense change at the same codon (p.Leu643Pro) has been reported to be associated with GRIN2B related disorder (ClinVar ID: VCV001164046 / PMID: 30151416). However the evidence of pathogenicity is insufficient at this time. Therefore, this variant is classified as VUS according to the recommendation of ACMG/AMP guideline.

Literature cited by the submitters: PubMed 30151416.